The following is an entry in ClinVar:

NM_003200.5(TCF3):c.343G>A (p.Ala115Thr)

Gene: TCF3 (transcription factor 3; minus strand). Cytogenetic location: 19p13.3.
Variant type: single nucleotide variant.
Coding change: c.343G>A on transcript NM_003200.5 (MANE Select); coding-DNA position 343, G replaced by A.
Protein change: p.Ala115Thr; replaces alanine 115 with threonine.
Molecular consequence: missense variant.
Genome position (GRCh38, 1-based): chr19:1,627,382, C>T on the plus strand (G>A on the coding strand, the complement: TCF3 is on the minus strand). VCF-style: chr19-1627382-C-T. GRCh37 (hg19) VCF-style: chr19-1627381-C-T.
Other names: c.343G>A (NM_003200.3); c.343G>A, p.Ala115Thr (NM_001136139.4, NM_001351778.2, NM_001351779.2); short protein forms A115T.
Identifiers: ClinVar variation 2197876 (VCV002197876.5), dbSNP rs113419714, ClinGen allele CA9050443.

ClinVar aggregate classification (germline): Uncertain significance. Review status: criteria provided, multiple submitters, no conflicts (2 of 4 stars). 2 submissions from 2 submitters: Uncertain significance (2). Last evaluated 2025-12-22.

Conditions:
Inborn genetic diseases. Identifiers: MedGen C0950123, MeSH D030342.

Allele frequency attached by ClinVar (database versions not stated): ExAC 0.00008; ESP Exome Variant Server 0.00015; gnomAD 0.00022.
gnomAD v4.1: 89 of 1,611,446 alleles (0.0055%); highest among the groups gnomAD compares: African/African-American, 0.079%; no homozygotes.

Submissions (2):

Labcorp Genetics (formerly Invitae), Labcorp
Classification: Uncertain significance. Last evaluated: 2025-12-22. Review status: criteria provided, single submitter. Criteria: Invitae Variant Classification Sherloc (09022015). Collection method: clinical testing. Allele origin: germline.
Comment: This sequence change replaces alanine, which is neutral and non-polar, with threonine, which is neutral and polar, at codon 115 of the TCF3 protein (p.Ala115Thr). This variant is present in population databases (rs113419714, gnomAD 0.08%). This variant has not been reported in the literature in individuals affected with TCF3-related conditions. ClinVar contains an entry for this variant (Variation ID: 2197876). Invitae Evidence Modeling of protein sequence and biophysical properties (such as structural, functional, and spatial information, amino acid conservation, physicochemical variation, residue mobility, and thermodynamic stability) indicates that this missense variant is not expected to disrupt TCF3 protein function with a negative predictive value of 80%. In summary, the available evidence is currently insufficient to determine the role of this variant in disease. Therefore, it has been classified as a Variant of Uncertain Significance.

Ambry Genetics
Classification: Uncertain significance for Inborn genetic diseases. Last evaluated: 2024-11-15. Review status: criteria provided, single submitter. Criteria: Ambry Variant Classification Scheme 2023. Collection method: clinical testing. Allele origin: germline.